The following is an entry in ClinVar:

NM_152564.5(VPS13B):c.6395T>A (p.Leu2132Ter)

Gene: VPS13B (vacuolar protein sorting 13 homolog B; plus strand). Cytogenetic location: 8q22.2.
Variant type: single nucleotide variant.
Coding change: c.6395T>A on transcript NM_152564.5 (MANE Select); coding-DNA position 6395, T replaced by A.
Protein change: p.Leu2132Ter; replaces leucine 2132 with a stop codon.
Molecular consequence: nonsense.
Genome position (GRCh38, 1-based): chr8:99,699,873, T>A. VCF-style: chr8-99699873-T-A. GRCh37 (hg19) VCF-style: chr8-100712101-T-A.
Other names: c.6470T>A, p.Leu2157Ter (NM_017890.5); short protein forms L2132*, L2157*.
Identifiers: ClinVar variation 1069136 (VCV001069136.7), dbSNP rs2130181483, ClinGen allele CA371875075.

ClinVar aggregate classification (germline): Pathogenic (1 of 4 stars; one submission).

Conditions:
Cohen syndrome (COH1). Also called: PEPPER SYNDROME; Cutis verticis gyrata, retinitis pigmentosa, and sensorineural deafness. Identifiers: Orphanet 193, MedGen C0265223, MONDO:0008999, OMIM 216550.

Submission:

Labcorp Genetics (formerly Invitae), Labcorp
Classification: Pathogenic for Cohen syndrome. Last evaluated: 2022-04-12. Review status: criteria provided, single submitter. Criteria: Invitae Variant Classification Sherloc (09022015). Collection method: clinical testing. Allele origin: germline.
Comment: For these reasons, this variant has been classified as Pathogenic. ClinVar contains an entry for this variant (Variation ID: 1069136). This variant has not been reported in the literature in individuals affected with VPS13B-related conditions. This variant is not present in population databases (gnomAD no frequency). This sequence change creates a premature translational stop signal (p.Leu2157*) in the VPS13B gene. It is expected to result in an absent or disrupted protein product. Loss-of-function variants in VPS13B are known to be pathogenic (PMID: 15141358, 16648375, 20461111).

Literature cited by the submitters: PubMed 15141358; PubMed 16648375; PubMed 20461111.